The following is an entry in ClinVar:

NM_005876.5(SPEG):c.9764G>A (p.Arg3255His)

Genes: ASIC4-AS1 (ASIC4 antisense RNA 1; minus strand), SPEG (striated muscle enriched protein kinase; plus strand). Cytogenetic location: 2q35.
Variant type: single nucleotide variant.
Coding change: c.9764G>A on transcript NM_005876.5 (MANE Select); coding-DNA position 9764, G replaced by A.
Protein change: p.Arg3255His; replaces arginine 3255 with histidine.
Molecular consequence: missense variant.
Genome position (GRCh38, 1-based): chr2:219,492,746, G>A. VCF-style: chr2-219492746-G-A. GRCh37 (hg19) VCF-style: chr2-220357468-G-A.
Other names: p.Arg3255His; short protein forms R3255H.
Identifiers: ClinVar variation 451796 (VCV000451796.51), dbSNP rs55821615, ClinGen allele CA2127872.

ClinVar aggregate classification (germline): Conflicting classifications of pathogenicity. Review status: criteria provided, conflicting classifications (1 of 4 stars). 6 submissions from 6 submitters: Uncertain significance (1); Benign (1); Likely benign (3). 1 of the submissions does not count toward it. Last evaluated 2026-01-21.

Conditions:
SPEG-related disorder. Also called: SPEG-related condition.

Allele frequency attached by ClinVar (database versions not stated): ESP Exome Variant Server 0.00070; 1000 Genomes Project 0.00080; 1000 Genomes Project 30x 0.00094; ExAC 0.00096; gnomAD 0.00097 and 0.00098; gnomAD exomes 0.00098; TOPMed 0.00111.

Submissions (6):

Labcorp Genetics (formerly Invitae), Labcorp
Classification: Likely benign. Last evaluated: 2026-01-21. Review status: criteria provided, single submitter. Criteria: Invitae Variant Classification Sherloc (09022015). Collection method: clinical testing. Allele origin: germline.

Mayo Clinic Laboratories, Mayo Clinic
Classification: Benign. Last evaluated: 2025-09-03. Review status: criteria provided, single submitter. Criteria: ACMG Guidelines, 2015. Collection method: clinical testing. Allele origin: germline. Observed: 1 variant allele.
Comment: BS1, BS2, BP4

Blueprint Genetics
Classification: Likely benign. Last evaluated: 2024-10-17. Review status: criteria provided, single submitter. Criteria: ACMG Guidelines, 2015. Collection method: clinical testing. Allele origin: germline.

CeGaT Center for Human Genetics Tuebingen
Classification: Likely benign. Last evaluated: 2021-11-01. Review status: criteria provided, single submitter. Criteria: CeGaT Center For Human Genetics Tuebingen Variant Classification Criteria Version 2. Collection method: clinical testing. Allele origin: germline. Affected: yes. Observed: 1 variant allele.

GeneDx
Classification: Uncertain significance. Last evaluated: 2021-03-04. Review status: criteria provided, single submitter. Criteria: GeneDx Variant Classification Process June 2021. Collection method: clinical testing. Allele origin: germline. Affected: yes.
Comment: In silico analysis supports that this missense variant has a deleterious effect on protein structure/function; Has not been previously published as pathogenic or benign to our knowledge

PreventionGenetics, part of Exact Sciences
Classification: Likely benign for SPEG-related condition. Last evaluated: 2024-09-25. Review status: no assertion criteria provided. Collection method: clinical testing. Allele origin: germline. Not counted in ClinVar's aggregate classification.
Comment: This variant is classified as likely benign based on ACMG/AMP sequence variant interpretation guidelines (Richards et al. 2015 PMID: 25741868, with internal and published modifications).